The following is an entry in ClinVar:

NM_005559.4(LAMA1):c.6328C>T (p.Arg2110Cys)

Gene: LAMA1 (laminin subunit alpha 1; minus strand). Cytogenetic location: 18p11.31.
Variant type: single nucleotide variant.
Coding change: c.6328C>T on transcript NM_005559.4 (MANE Select); coding-DNA position 6328, C replaced by T.
Protein change: p.Arg2110Cys; replaces arginine 2110 with cysteine.
Molecular consequence: missense variant.
Genome position (GRCh38, 1-based): chr18:6,977,744, G>A on the plus strand (C>T on the coding strand, the complement: LAMA1 is on the minus strand). VCF-style: chr18-6977744-G-A. GRCh37 (hg19) VCF-style: chr18-6977743-G-A.
Other names: short protein forms R2110C.
Identifiers: ClinVar variation 1398212 (VCV001398212.6), dbSNP rs544116466, ClinGen allele CA8881290.

ClinVar aggregate classification (germline): Uncertain significance (1 of 4 stars; one submission).

Allele frequency attached by ClinVar (database versions not stated): gnomAD exomes below 0.00001 and 0.00001; gnomAD 0.00001; ExAC 0.00002; 1000 Genomes Project 30x 0.00016; 1000 Genomes Project 0.00020.
gnomAD v4.1: 9 of 1,614,058 alleles (0.00056%); highest among the groups gnomAD compares: African/African-American, 0.0027%; no homozygotes.

Submission:

Labcorp Genetics (formerly Invitae), Labcorp
Classification: Uncertain significance. Last evaluated: 2021-11-06. Review status: criteria provided, single submitter. Criteria: Invitae Variant Classification Sherloc (09022015). Collection method: clinical testing. Allele origin: germline.
Comment: In summary, the available evidence is currently insufficient to determine the role of this variant in disease. Therefore, it has been classified as a Variant of Uncertain Significance. Algorithms developed to predict the effect of missense changes on protein structure and function are either unavailable or do not agree on the potential impact of this missense change (SIFT: "Deleterious"; PolyPhen-2: "Probably Damaging"; Align-GVGD: "Class C0"). This variant has not been reported in the literature in individuals affected with LAMA1-related conditions. This variant is present in population databases (rs544116466, gnomAD 0.004%). This sequence change replaces arginine, which is basic and polar, with cysteine, which is neutral and slightly polar, at codon 2110 of the LAMA1 protein (p.Arg2110Cys).